The following is an entry in ClinVar:

NM_005591.4(MRE11):c.857T>G (p.Leu286Trp)

Gene: MRE11 (MRE11 double strand break repair nuclease; minus strand). Cytogenetic location: 11q21.
Variant type: single nucleotide variant.
Coding change: c.857T>G on transcript NM_005591.4 (MANE Select); coding-DNA position 857, T replaced by G.
Protein change: p.Leu286Trp; replaces leucine 286 with tryptophan.
Molecular consequence: missense variant.
Genome position (GRCh38, 1-based): chr11:94,470,631, A>C on the plus strand (T>G on the coding strand, the complement: MRE11 is on the minus strand). VCF-style: chr11-94470631-A-C. GRCh37 (hg19) VCF-style: chr11-94203797-A-C.
Other names: c.857T>G, p.Leu286Trp (NM_001330347.2, NM_005590.4); short protein forms L286W.
Identifiers: ClinVar variation 1800345 (VCV001800345.2), dbSNP rs2496485542, ClinGen allele CA382374872.

ClinVar aggregate classification (germline): Uncertain significance (1 of 4 stars; one submission).

Conditions:
Hereditary cancer-predisposing syndrome. Also called: Neoplastic Syndromes, Hereditary; Tumor predisposition; Hereditary Cancer Syndrome; Hereditary neoplastic syndrome. Identifiers: Orphanet 140162, MedGen C0027672, MeSH D009386, MONDO:0015356.

Submission:

Ambry Genetics
Classification: Uncertain significance for Hereditary cancer-predisposing syndrome. Last evaluated: 2023-10-26. Review status: criteria provided, single submitter. Criteria: Ambry Variant Classification Scheme 2023. Collection method: clinical testing. Allele origin: germline.
Comment: The p.L286W variant (also known as c.857T>G), located in coding exon 8 of the MRE11A gene, results from a T to G substitution at nucleotide position 857. The leucine at codon 286 is replaced by tryptophan, an amino acid with similar properties. This amino acid position is conserved. In addition, this alteration is predicted to be deleterious by in silico analysis. Since supporting evidence is limited at this time, the clinical significance of this alteration remains unclear.